The following is an entry in ClinVar:

ClinVar aggregate classification (germline): Uncertain significance. Review status: criteria provided, multiple submitters, no conflicts (2 of 4 stars). 3 submissions from 3 submitters: Uncertain significance (3). Last evaluated 2025-06-26.

Conditions:
Cardiovascular phenotype. Identifiers: MedGen CN230736.
Familial hypobetalipoproteinemia 1. Also called: Hypobetalipoproteinemia, normotriglyceridemic; Acanthocytosis with hypobetalipoproteinemia; APOB-Related Familial Hypobetalipoproteinemia. Identifiers: MedGen C4551990, MONDO:0014252, OMIM 615558.
Hypercholesterolemia, autosomal dominant, type B (FHCL2). Also called: Familial hypercholesterolemia 2; Familial Hypercholesterolemia Type B; APOLIPOPROTEIN B-100, FAMILIAL DEFECTIVE; APOLIPOPROTEIN B-100, FAMILIAL LIGAND-DEFECTIVE; HYPERCHOLESTEROLEMIA, FAMILIAL, DUE TO LIGAND-DEFECTIVE APOLIPOPROTEIN B; Hyperlipoproteinemia Type IIb. Identifiers: MedGen C1704417, MONDO:0007751, OMIM 144010.

Allele frequency attached by ClinVar (database versions not stated): gnomAD exomes below 0.00001; gnomAD 0.00001.
gnomAD v4.1: 2 of 1,613,890 alleles (0.00012%); highest among the groups gnomAD compares: African/African-American, 0.0013%; no homozygotes.

Submissions (3):

GeneDx
Classification: Uncertain significance. Last evaluated: 2025-06-26. Review status: criteria provided, single submitter. Criteria: GeneDx Variant Classification Process June 2021. Collection method: clinical testing. Allele origin: germline. Affected: yes.
Comment: Not observed at significant frequency in large population cohorts (gnomAD); In silico analysis supports that this missense variant has a deleterious effect on protein structure/function; Has not been previously published as pathogenic or benign to our knowledge; Also known as p.(D3472G)

Ambry Genetics
Classification: Uncertain significance for Cardiovascular phenotype. Last evaluated: 2025-01-21. Review status: criteria provided, single submitter. Criteria: Ambry Variant Classification Scheme 2023. Collection method: clinical testing. Allele origin: germline.
Comment: The p.D3499G variant (also known as c.10496A>G), located in coding exon 26 of the APOB gene, results from an A to G substitution at nucleotide position 10496. The aspartic acid at codon 3499 is replaced by glycine, an amino acid with similar properties. This amino acid position is conserved. In addition, this alteration is predicted to be tolerated by in silico analysis. Based on the available evidence, the clinical significance of this variant remains unclear.

Labcorp Genetics (formerly Invitae), Labcorp
Classification: Uncertain significance for Familial hypobetalipoproteinemia 1; Hypercholesterolemia, autosomal dominant, type B. Last evaluated: 2022-06-14. Review status: criteria provided, single submitter. Criteria: Invitae Variant Classification Sherloc (09022015). Collection method: clinical testing. Allele origin: germline.
Comment: In summary, the available evidence is currently insufficient to determine the role of this variant in disease. Therefore, it has been classified as a Variant of Uncertain Significance. Algorithms developed to predict the effect of missense changes on protein structure and function output the following: SIFT: "Tolerated"; PolyPhen-2: "Benign"; Align-GVGD: "Class C0". The glycine amino acid residue is found in multiple mammalian species, which suggests that this missense change does not adversely affect protein function. This missense change has been observed in individual(s) with clinical features of familial hypercholesterolemia (Invitae). This variant is not present in population databases (gnomAD no frequency). This sequence change replaces aspartic acid, which is acidic and polar, with glycine, which is neutral and non-polar, at codon 3499 of the APOB protein (p.Asp3499Gly).

NM_000384.3(APOB):c.10496A>G (p.Asp3499Gly)

Gene: APOB (apolipoprotein B; minus strand). Cytogenetic location: 2p24.1.
Variant type: single nucleotide variant.
Coding change: c.10496A>G on transcript NM_000384.3 (MANE Select); coding-DNA position 10496, A replaced by G.
Protein change: p.Asp3499Gly; replaces aspartic acid 3499 with glycine.
Molecular consequence: missense variant.
Genome position (GRCh38, 1-based): chr2:21,006,372, T>C on the plus strand (A>G on the coding strand, the complement: APOB is on the minus strand). VCF-style: chr2-21006372-T-C. GRCh37 (hg19) VCF-style: chr2-21229244-T-C.
Other names: c.10496A>G (NM_000384.2); short protein forms D3499G.
Identifiers: ClinVar variation 2043279 (VCV002043279.6), dbSNP rs1663138065, ClinGen allele CA345986406.